The following is an entry in ClinVar:

NM_001999.4(FBN2):c.1902T>C (p.Asn634=)

Gene: FBN2 (fibrillin 2; minus strand). Cytogenetic location: 5q23.3.
Variant type: single nucleotide variant.
Coding change: c.1902T>C on transcript NM_001999.4 (MANE Select); coding-DNA position 1902, T replaced by C.
Protein change: p.Asn634=; no amino-acid change (asparagine 634 retained).
Molecular consequence: synonymous variant.
Genome position (GRCh38, 1-based): chr5:128,376,801, A>G on the plus strand (T>C on the coding strand, the complement: FBN2 is on the minus strand). VCF-style: chr5-128376801-A-G. GRCh37 (hg19) VCF-style: chr5-127712494-A-G.
Identifiers: ClinVar variation 213223 (VCV000213223.17), dbSNP rs553052214, ClinGen allele CA322499.
Genomic context (GRCh38, chr5:128,376,801, plus strand): 5'-ACGCCCATTTGGAGCCAAGACAAATCCTGGTTTGCAGATGCACTTGAAGCTGCCATCTTC[A>G]TTGATGCACATTCCATTCAAACACATGTTGGTAGTTGTACATTCATCATGATCTGCAGAA-3'
Protein context (NP_001990.2, residues 624-644): TNMCLNGMCI[Asn634=]EDGSFKCICK

ClinVar aggregate classification (germline): Benign/Likely benign. Review status: criteria provided, multiple submitters, no conflicts (2 of 4 stars). 5 submissions from 5 submitters: Benign (1); Likely benign (4). Last evaluated 2026-02-01.

Conditions:
Familial thoracic aortic aneurysm and aortic dissection (TAAD). Also called: Thoracic aortic aneurysms and dissections. Identifiers: Orphanet 91387, MedGen C4707243, MONDO:0019625.
Congenital contractural arachnodactyly (CCA). Also called: BEALS SYNDROME; Beals-Hecht syndrome; Arthrogryposis, distal, type 9. Identifiers: Orphanet 115, MedGen C0220668, MONDO:0007363, OMIM 121050.

Allele frequency attached by ClinVar (database versions not stated): ExAC 0.00001; gnomAD 0.00001; gnomAD exomes 0.00001; TOPMed 0.00002.
gnomAD v4.1: 11 of 1,613,534 alleles (0.00068%); highest among the groups gnomAD compares: Non-Finnish European, 0.00093%; no homozygotes.

Submissions (5):

CeGaT Center for Human Genetics Tuebingen
Classification: Likely benign. Last evaluated: 2026-02-01. Review status: criteria provided, single submitter. Criteria: CeGaT Center For Human Genetics Tuebingen Variant Classification Criteria Version 2. Collection method: clinical testing. Allele origin: germline. Affected: yes. Observed: 1 variant allele.
Comment: FBN2: BP4, BP7

Labcorp Genetics (formerly Invitae), Labcorp
Classification: Likely benign for Congenital contractural arachnodactyly. Last evaluated: 2025-12-18. Review status: criteria provided, single submitter. Criteria: Invitae Variant Classification Sherloc (09022015). Collection method: clinical testing. Allele origin: germline.

Blueprint Genetics
Classification: Likely benign. Last evaluated: 2021-08-25. Review status: criteria provided, single submitter. Criteria: ACMG Guidelines, 2015. Collection method: clinical testing. Allele origin: germline.

Ambry Genetics
Classification: Likely benign for Familial thoracic aortic aneurysm and aortic dissection. Last evaluated: 2020-09-03. Review status: criteria provided, single submitter. Criteria: Ambry Variant Classification Scheme 2023. Collection method: clinical testing. Allele origin: germline.

GeneDx
Classification: Benign. Last evaluated: 2015-07-15. Review status: criteria provided, single submitter. Criteria: GeneDx Variant Classification (06012015). Collection method: clinical testing. Allele origin: germline. Affected: yes.
Comment: This variant is considered likely benign or benign based on one or more of the following criteria: it is a conservative change, it occurs at a poorly conserved position in the protein, it is predicted to be benign by multiple in silico algorithms, and/or has population frequency not consistent with disease.